The following is an entry in ClinVar:

ClinVar aggregate classification (germline): Pathogenic (1 of 4 stars; one submission).

Conditions:
Inborn genetic diseases. Identifiers: MedGen C0950123, MeSH D030342.

Submission:

Ambry Genetics
Classification: Pathogenic for Inborn genetic diseases. Last evaluated: 2021-07-20. Review status: criteria provided, single submitter. Criteria: Ambry Variant Classification Scheme 2023. Collection method: clinical testing. Allele origin: germline.
Comment: The c.10754+1G>A intronic variant results from a G to A substitution one nucleotide after coding exon 27 of the KMT2A gene. Alterations that disrupt the canonical splice site are expected to cause aberrant splicing, resulting in an abnormal protein or a transcript that is subject to nonsense-mediated mRNA decay. Based on data from the Genome Aggregation Database (gnomAD), the KMT2A c.10754+1G>A alteration was not observed, with coverage at this position. This nucleotide position is well conserved in available vertebrate species. In silico splice site analysis predicts that this alteration will weaken the native splice donor site. Based on the available evidence, this alteration is classified as pathogenic.

NM_001197104.2(KMT2A):c.10754+1G>A

Gene: KMT2A (lysine methyltransferase 2A; plus strand). Cytogenetic location: 11q23.3.
Variant type: single nucleotide variant.
Coding change: c.10754+1G>A on transcript NM_001197104.2 (MANE Select); the canonical splice donor site of the intron after coding-DNA position 10754, G replaced by A.
Molecular consequence: splice donor variant.
Genome position (GRCh38, 1-based): chr11:118,506,647, G>A. VCF-style: chr11-118506647-G-A. GRCh37 (hg19) VCF-style: chr11-118377362-G-A.
Other names: c.10844+1G>A (NM_001412597.1); c.10745+1G>A (NM_005933.4).
Identifiers: ClinVar variation 2231798 (VCV002231798.2), dbSNP rs2497034097, ClinGen allele CA382827234.